The following is an entry in ClinVar:

ClinVar aggregate classification (germline): Likely pathogenic. Review status: criteria provided, single submitter (1 of 4 stars). 2 submissions from 2 submitters: Likely pathogenic (1). 1 of the submissions does not count toward it. Last evaluated 2020-10-20.

Conditions:
Congenital generalized lipodystrophy type 1 (CGL1). Also called: Berardinelli-Seip Congenital Lipodystrophy Type 1; BRUNZELL SYNDROME, AGPAT2-RELATED. Identifiers: Orphanet 528, Orphanet 696189, MedGen C1720862, MONDO:0012071, OMIM 608594.

Allele frequency attached by ClinVar (database versions not stated): gnomAD exomes below 0.00001.
gnomAD v4.1: 3 of 1,592,188 alleles (0.00019%); highest among the groups gnomAD compares: Non-Finnish European, 0.00026%; no homozygotes.

Submissions (2):

Institute of Human Genetics, University of Leipzig Medical Center
Classification: Likely pathogenic for Congenital generalized lipodystrophy type 1. Last evaluated: 2020-10-20. Review status: criteria provided, single submitter. Criteria: ACMG Guidelines, 2015. Collection method: clinical testing. Allele origin: unknown. Affected: yes.
Comment: This variant was identified as homozygous.

OMIM
Classification: Pathogenic for LIPODYSTROPHY, CONGENITAL GENERALIZED, TYPE 1. Last evaluated: 2023-06-27. Review status: no assertion criteria provided. Collection method: literature only. Allele origin: germline. Not counted in ClinVar's aggregate classification.

Literature cited by the submitters: PubMed 31778856 (cited by OMIM).

NM_006412.4(AGPAT2):c.685G>T (p.Glu229Ter)

Gene: AGPAT2 (1-acylglycerol-3-phosphate O-acyltransferase 2; minus strand). Cytogenetic location: 9q34.3.
Variant type: single nucleotide variant.
Coding change: c.685G>T on transcript NM_006412.4 (MANE Select); coding-DNA position 685, G replaced by T.
Protein change: p.Glu229Ter; replaces glutamic acid 229 with a stop codon.
Molecular consequence: nonsense.
Genome position (GRCh38, 1-based): chr9:136,673,904, C>A on the plus strand (G>T on the coding strand, the complement: AGPAT2 is on the minus strand). VCF-style: chr9-136673904-C-A. GRCh37 (hg19) VCF-style: chr9-139568356-C-A.
Other names: c.589G>T, p.Glu197Ter (NM_001012727.2); short protein forms E197*, E229*.
Identifiers: ClinVar variation 1285417 (VCV001285417.2), dbSNP rs1255380257, ClinGen allele CA375577678.
Genomic context (GRCh38, chr9:136,673,904, plus strand): 5'-GGCAGGTGTCCACGAGCGCAGGGACGTCCGCCGCAGTGAGGCCGCTGGTGGGGATGGCTT[C>A]CAGCACCTGCACTGTGACTGTTCCTGTGGGGGAAGCAACAGACCTCAGTGGCCTGTGGGG-3'